The following is an entry in ClinVar:

NM_001130009.3(GEN1):c.1105C>T (p.His369Tyr)

Gene: GEN1 (GEN1 Holliday junction 5' flap endonuclease; plus strand). Cytogenetic location: 2p24.2.
Variant type: single nucleotide variant.
Coding change: c.1105C>T on transcript NM_001130009.3 (MANE Select); coding-DNA position 1105, C replaced by T.
Protein change: p.His369Tyr; replaces histidine 369 with tyrosine.
Molecular consequence: missense variant.
Genome position (GRCh38, 1-based): chr2:17,774,304, C>T. VCF-style: chr2-17774304-C-T. GRCh37 (hg19) VCF-style: chr2-17955571-C-T.
Other names: c.1105C>T, p.His369Tyr (NM_182625.5); short protein forms H369Y.
Identifiers: ClinVar variation 3519768 (VCV003519768.1).

ClinVar aggregate classification (germline): Uncertain significance (1 of 4 stars; one submission).

gnomAD v4.1: 2 of 1,587,770 alleles (0.00013%); highest among the groups gnomAD compares: Non-Finnish European, 0.00017%; no homozygotes.

Submission:

Ambry Genetics
Classification: Uncertain significance. Last evaluated: 2024-12-04. Review status: criteria provided, single submitter. Criteria: Ambry Variant Classification Scheme 2023. Collection method: clinical testing. Allele origin: germline.
Comment: The p.H369Y variant (also known as c.1105C>T), located in coding exon 10 of the GEN1 gene, results from a C to T substitution at nucleotide position 1105. The histidine at codon 369 is replaced by tyrosine, an amino acid with similar properties. This amino acid position is conserved. In addition, this alteration is predicted to be tolerated by in silico analysis. Based on the available evidence, the clinical significance of this variant remains unclear.